The following is an entry in ClinVar:

ClinVar aggregate classification (germline): Uncertain significance. Review status: criteria provided, multiple submitters, no conflicts (2 of 4 stars). 2 submissions from 2 submitters: Uncertain significance (2). Last evaluated 2025-04-08.

Conditions:
Hajdu-Cheney syndrome (HJCYS). Also called: ACROOSTEOLYSIS WITH OSTEOPOROSIS AND CHANGES IN SKULL AND MANDIBLE; SERPENTINE FIBULA-POLYCYSTIC KIDNEY SYNDROME; Acroosteolysis dominant type. Identifiers: Orphanet 955, MedGen C0917715, MONDO:0007057, OMIM 102500.
Alagille syndrome due to a NOTCH2 point mutation. Also called: Alagille syndrome 2. Identifiers: Orphanet 261629, Orphanet 52, MedGen C1857761, MONDO:0012439, OMIM 610205.

Allele frequency attached by ClinVar (database versions not stated): ExAC 0.00001; gnomAD 0.00003; TOPMed 0.00005; gnomAD exomes 0.00006.

Submissions (2):

Labcorp Genetics (formerly Invitae), Labcorp
Classification: Uncertain significance for Hajdu-Cheney syndrome. Last evaluated: 2025-04-08. Review status: criteria provided, single submitter. Criteria: Invitae Variant Classification Sherloc (09022015). Collection method: clinical testing. Allele origin: germline.
Comment: This sequence change replaces arginine, which is basic and polar, with histidine, which is basic and polar, at codon 285 of the NOTCH2 protein (p.Arg285His). This variant is present in population databases (rs782452794, gnomAD 0.009%). This missense change has been observed in individual(s) with clinical features of NOTCH2-related conditions (PMID: 28566479). ClinVar contains an entry for this variant (Variation ID: 2711692). Invitae Evidence Modeling of protein sequence and biophysical properties (such as structural, functional, and spatial information, amino acid conservation, physicochemical variation, residue mobility, and thermodynamic stability) indicates that this missense variant is not expected to disrupt NOTCH2 protein function with a negative predictive value of 95%. In summary, the available evidence is currently insufficient to determine the role of this variant in disease. Therefore, it has been classified as a Variant of Uncertain Significance.

Fulgent Genetics
Classification: Uncertain significance for Hajdu-Cheney syndrome; Alagille syndrome due to a NOTCH2 point mutation. Last evaluated: 2024-03-06. Review status: criteria provided, single submitter. Criteria: ACMG Guidelines, 2015. Collection method: clinical testing. Allele origin: germline.

Literature cited by the submitters: PubMed 28566479 (cited by Labcorp Genetics (formerly Invitae), Labcorp).

NM_024408.4(NOTCH2):c.854G>A (p.Arg285His)

Gene: NOTCH2 (notch receptor 2; minus strand). Cytogenetic location: 1p12.
Variant type: single nucleotide variant.
Coding change: c.854G>A on transcript NM_024408.4 (MANE Select); coding-DNA position 854, G replaced by A.
Protein change: p.Arg285His; replaces arginine 285 with histidine.
Molecular consequence: missense variant.
Genome position (GRCh38, 1-based): chr1:119,986,980, C>T on the plus strand (G>A on the coding strand, the complement: NOTCH2 is on the minus strand). VCF-style: chr1-119986980-C-T. GRCh37 (hg19) VCF-style: chr1-120529603-C-T.
Other names: c.854G>A, p.Arg285His (NM_001200001.2); short protein forms R285H.
Identifiers: ClinVar variation 2711692 (VCV002711692.4), dbSNP rs782452794, ClinGen allele CA1040663.